The following is an entry in ClinVar:

NM_194248.3(OTOF):c.1714G>T (p.Gly572Cys)

Gene: OTOF (otoferlin; minus strand). Cytogenetic location: 2p23.3.
Variant type: single nucleotide variant.
Coding change: c.1714G>T on transcript NM_194248.3 (MANE Select); coding-DNA position 1714, G replaced by T.
Protein change: p.Gly572Cys; replaces glycine 572 with cysteine.
Molecular consequence: missense variant.
Genome position (GRCh38, 1-based): chr2:26,480,875, C>A on the plus strand (G>T on the coding strand, the complement: OTOF is on the minus strand). VCF-style: chr2-26480875-C-A. GRCh37 (hg19) VCF-style: chr2-26703743-C-A.
Other names: c.1714G>T, p.Gly572Cys (NM_001287489.2); short protein forms G572C.
Identifiers: ClinVar variation 1411348 (VCV001411348.6), dbSNP rs2148056953, ClinGen allele CA346133175.

ClinVar aggregate classification (germline): Uncertain significance (1 of 4 stars; one submission).

Submission:

Labcorp Genetics (formerly Invitae), Labcorp
Classification: Uncertain significance. Last evaluated: 2022-10-17. Review status: criteria provided, single submitter. Criteria: Invitae Variant Classification Sherloc (09022015). Collection method: clinical testing. Allele origin: germline.
Comment: Advanced modeling of protein sequence and biophysical properties (such as structural, functional, and spatial information, amino acid conservation, physicochemical variation, residue mobility, and thermodynamic stability) performed at Invitae indicates that this missense variant is not expected to disrupt OTOF protein function. In summary, the available evidence is currently insufficient to determine the role of this variant in disease. Therefore, it has been classified as a Variant of Uncertain Significance. ClinVar contains an entry for this variant (Variation ID: 1411348). This sequence change replaces glycine, which is neutral and non-polar, with cysteine, which is neutral and slightly polar, at codon 572 of the OTOF protein (p.Gly572Cys). This variant is not present in population databases (gnomAD no frequency). This variant has not been reported in the literature in individuals affected with OTOF-related conditions.